The following is an entry in ClinVar:

ClinVar aggregate classification (germline): Benign/Likely benign. Review status: criteria provided, multiple submitters, no conflicts (2 of 4 stars). 7 submissions from 7 submitters: Benign (4); Likely benign (2). 1 of the submissions does not count toward it. Last evaluated 2026-02-02.

Conditions:
Acute infantile liver failure due to synthesis defect of mtDNA-encoded proteins. Also called: Liver failure acute infantile; TRMU Deficiency; LIVER FAILURE, INFANTILE, TRANSIENT. Identifiers: Orphanet 217371, MedGen C3278664, MONDO:0013111, OMIM 613070.

Allele frequency attached by ClinVar (database versions not stated): gnomAD exomes 0.00355 and 0.00813; ExAC 0.01018; gnomAD 0.03074 and 0.03308; 1000 Genomes Project 0.03215; TOPMed 0.03460; 1000 Genomes Project 30x 0.03467; ESP Exome Variant Server 0.03775.
gnomAD v4.1: 10,086 of 1,613,246 alleles (0.63%); highest among the groups gnomAD compares: African/African-American, 11%; 489 homozygotes.

Submissions (7):

Labcorp Genetics (formerly Invitae), Labcorp
Classification: Benign. Last evaluated: 2026-02-02. Review status: criteria provided, single submitter. Criteria: Invitae Variant Classification Sherloc (09022015). Collection method: clinical testing. Allele origin: germline.

ARUP Laboratories, Molecular Genetics and Genomics, ARUP Laboratories
Classification: Benign. Last evaluated: 2023-11-29. Review status: criteria provided, single submitter. Criteria: ARUP Molecular Germline Variant Investigation Process 2024. Collection method: clinical testing. Allele origin: germline.

Mayo Clinic Laboratories, Mayo Clinic
Classification: Benign. Last evaluated: 2022-01-27. Review status: criteria provided, single submitter. Criteria: ACMG Guidelines, 2015. Collection method: clinical testing. Allele origin: germline. Observed: 51 variant alleles.

Illumina Laboratory Services, Illumina
Classification: Likely benign for Acute infantile liver failure due to synthesis defect of mtDNA-encoded proteins. Last evaluated: 2017-04-27. Review status: criteria provided, single submitter. Criteria: ICSL Variant Classification Criteria 13 December 2019. Collection method: clinical testing. Allele origin: germline.
Comment: This variant was observed as part of a predisposition screen in an ostensibly healthy population. A literature search was performed for the gene, cDNA change, and amino acid change (where applicable). No publications were found based on this search. Allele frequency data from public databases allowed determination this variant is unlikely to cause disease. Therefore, this variant is classified as likely benign.

GeneDx
Classification: Benign. Last evaluated: 2013-12-26. Review status: criteria provided, single submitter. Criteria: GeneDx Variant Classification (06012015). Collection method: clinical testing. Allele origin: germline. Affected: yes.
Comment: This variant is considered likely benign or benign based on one or more of the following criteria: it is a conservative change, it occurs at a poorly conserved position in the protein, it is predicted to be benign by multiple in silico algorithms, and/or has population frequency not consistent with disease.

Breakthrough Genomics
Classification: Likely benign. Review status: criteria provided, single submitter. Criteria: ACMG Guidelines, 2015. Collection method: not provided. Allele origin: germline. Inheritance: Autosomal dominant inheritance. Affected: yes.

Natera, Inc.
Classification: Benign for Transient infantile liver failure. Last evaluated: 2020-09-16. Review status: no assertion criteria provided. Collection method: clinical testing. Allele origin: germline. Not counted in ClinVar's aggregate classification.

NM_018006.5(TRMU):c.1192C>T (p.Arg398Cys)

Gene: TRMU (tRNA mitochondrial 2-thiouridylase; plus strand). Cytogenetic location: 22q13.31.
Variant type: single nucleotide variant.
Coding change: c.1192C>T on transcript NM_018006.5 (MANE Select); coding-DNA position 1192, C replaced by T.
Protein change: p.Arg398Cys; replaces arginine 398 with cysteine.
Molecular consequence: missense variant. On other transcripts: non-coding transcript variant (2).
Genome position (GRCh38, 1-based): chr22:46,356,932, C>T. VCF-style: chr22-46356932-C-T. GRCh37 (hg19) VCF-style: chr22-46752829-C-T.
Other names: p.R398C:CGC>TGC; c.850C>T, p.Arg284Cys (NM_001282782.2); c.772C>T, p.Arg258Cys (NM_001282783.2); c.689C>T, p.Ala230Val (NM_001282784.2); c.1109C>T, p.Ala370Val (NM_001282785.2); short protein forms R398C, A230V, R284C, A370V, R258C.
Identifiers: ClinVar variation 137716 (VCV000137716.25), dbSNP rs34152016, ClinGen allele CA291384.